The following is an entry in ClinVar:

NM_198291.3(SRC):c.588C>T (p.Asn196=)

Gene: SRC (SRC proto-oncogene, non-receptor tyrosine kinase; plus strand). Cytogenetic location: 20q11.23.
Variant type: single nucleotide variant.
Coding change: c.588C>T on transcript NM_198291.3 (MANE Select); coding-DNA position 588, C replaced by T.
Protein change: p.Asn196=; no amino-acid change (asparagine 196 retained).
Molecular consequence: synonymous variant.
Genome position (GRCh38, 1-based): chr20:37,396,196, C>T. VCF-style: chr20-37396196-C-T. GRCh37 (hg19) VCF-style: chr20-36024599-C-T.
Other names: c.588C>T, p.Asn196= (NM_005417.5).
Identifiers: ClinVar variation 3358112 (VCV003358112.2).

ClinVar aggregate classification (germline): Likely benign. Review status: criteria provided, single submitter (1 of 4 stars). 2 submissions from 2 submitters: Likely benign (1). 1 of the submissions does not count toward it. Last evaluated 2024-11-01.

Conditions:
SRC-related disorder. Also called: SRC-related condition.

gnomAD v4.1: 1,810 of 1,613,904 alleles (0.11%); highest among the groups gnomAD compares: South Asian, 0.23%; 1 homozygote.

Submissions (2):

Blueprint Genetics
Classification: Likely benign. Last evaluated: 2024-11-01. Review status: criteria provided, single submitter. Criteria: ACMG Guidelines, 2015. Collection method: clinical testing. Allele origin: germline.

PreventionGenetics, part of Exact Sciences
Classification: Likely benign for SRC-related condition. Last evaluated: 2024-07-01. Review status: no assertion criteria provided. Collection method: clinical testing. Allele origin: germline. Not counted in ClinVar's aggregate classification.
Comment: This variant is classified as likely benign based on ACMG/AMP sequence variant interpretation guidelines (Richards et al. 2015 PMID: 25741868, with internal and published modifications).